The following is an entry in ClinVar:

ClinVar aggregate classification (germline): Uncertain significance (1 of 4 stars; one submission).

Conditions:
Congenital primary aphakia. Also called: Anterior segment dysgenesis 2, multiple subtypes; ANTERIOR SEGMENT DYSGENESIS 2. Identifiers: Orphanet 83461, MedGen C1853230, MONDO:0012456, OMIM 610256.
Anterior segment dysgenesis. Also called: Ocular anterior segment dysgenesis. Identifiers: Orphanet 88632, MedGen C1862839, MONDO:0019503, HP:0007700.

Submission:

Labcorp Genetics (formerly Invitae), Labcorp
Classification: Uncertain significance for Anterior segment dysgenesis; Congenital primary aphakia. Last evaluated: 2024-05-20. Review status: criteria provided, single submitter. Criteria: Invitae Variant Classification Sherloc (09022015). Collection method: clinical testing. Allele origin: germline.
Comment: This sequence change affects codon 118 of the FOXE3 mRNA. It is a 'silent' change, meaning that it does not change the encoded amino acid sequence of the FOXE3 protein. This variant is not present in population databases (gnomAD no frequency). This variant has not been reported in the literature in individuals affected with FOXE3-related conditions. In summary, the available evidence is currently insufficient to determine the role of this variant in disease. Therefore, it has been classified as a Variant of Uncertain Significance.

NM_012186.3(FOXE3):c.354C>T (p.Ser118=)

Genes: LINC01389 (long independently transcribed non-coding RNA 1389; minus strand), FOXE3 (forkhead box E3; plus strand). Cytogenetic location: 1p33.
Variant type: single nucleotide variant.
Coding change: c.354C>T on transcript NM_012186.3 (MANE Select); coding-DNA position 354, C replaced by T.
Protein change: p.Ser118=; no amino-acid change (serine 118 retained).
Molecular consequence: synonymous variant.
Genome position (GRCh38, 1-based): chr1:47,416,669, C>T. VCF-style: chr1-47416669-C-T. GRCh37 (hg19) VCF-style: chr1-47882341-C-T.
Identifiers: ClinVar variation 3751194 (VCV003751194.2).
Genomic context (GRCh38, chr1:47,416,669, plus strand): 5'-CCGCTTCATCACCGAACGCTTTGCCTTCTACCGCGACAGCCCGCGCAAGTGGCAGAACAG[C>T]ATCCGCCACAATCTCACGCTCAACGACTGCTTCGTCAAGGTGCCCCGCGAGCCGGGCAAC-3'
Protein context (NP_036318.1, residues 108-128): YRDSPRKWQN[Ser118=]IRHNLTLNDC